The following is an entry in ClinVar:

NM_000262.3(NAGA):c.571G>A (p.Ala191Thr)

Genes: NAGA (alpha-N-acetylgalactosaminidase; minus strand), LOC126863160 (CDK7 strongly-dependent group 2 enhancer GRCh37_chr22:42462918-42464117; plus strand). Cytogenetic location: 22q13.2.
Variant type: single nucleotide variant.
Coding change: c.571G>A on transcript NM_000262.3 (MANE Select); coding-DNA position 571, G replaced by A.
Protein change: p.Ala191Thr; replaces alanine 191 with threonine.
Molecular consequence: missense variant.
Genome position (GRCh38, 1-based): chr22:42,066,736, C>T on the plus strand (G>A on the coding strand, the complement: NAGA is on the minus strand). VCF-style: chr22-42066736-C-T. GRCh37 (hg19) VCF-style: chr22-42462740-C-T.
Other names: c.571G>A, p.Ala191Thr (NM_001362848.1, NM_001362850.1); short protein forms A191T.
Identifiers: ClinVar variation 4740273 (VCV004740273.1).

ClinVar aggregate classification (germline): Uncertain significance (1 of 4 stars; one submission).

Conditions:
Alpha-N-acetylgalactosaminidase deficiency type 1. Also called: SCHINDLER DISEASE, TYPE I; ALPHA-N-ACETYLGALACTOSAMINIDASE DEFICIENCY, TYPE I; NAGA DEFICIENCY, TYPE I; NEUROAXONAL DYSTROPHY, SCHINDLER TYPE. Identifiers: Orphanet 3137, Orphanet 79279, Orphanet 79281, MedGen C1836544, MONDO:0012221, OMIM 609241.

Submission:

Labcorp Genetics (formerly Invitae), Labcorp
Classification: Uncertain significance for Alpha-N-acetylgalactosaminidase deficiency type 1. Last evaluated: 2025-02-15. Review status: criteria provided, single submitter. Criteria: Invitae Variant Classification Sherloc (09022015). Collection method: clinical testing. Allele origin: germline.
Comment: This sequence change replaces alanine, which is neutral and non-polar, with threonine, which is neutral and polar, at codon 191 of the NAGA protein (p.Ala191Thr). This variant is not present in population databases (gnomAD no frequency). This variant has not been reported in the literature in individuals affected with NAGA-related conditions. Invitae Evidence Modeling of protein sequence and biophysical properties (such as structural, functional, and spatial information, amino acid conservation, physicochemical variation, residue mobility, and thermodynamic stability) has been performed for this missense variant. However, the output from this modeling did not meet the statistical confidence thresholds required to predict the impact of this variant on NAGA protein function. In summary, the available evidence is currently insufficient to determine the role of this variant in disease. Therefore, it has been classified as a Variant of Uncertain Significance.